The following is an entry in ClinVar:

NM_000257.4(MYH7):c.3100-15C>T

Gene: MYH7 (myosin heavy chain 7; minus strand). Cytogenetic location: 14q11.2.
Variant type: single nucleotide variant.
Coding change: c.3100-15C>T on transcript NM_000257.4 (MANE Select); 15 bases into the intron before coding-DNA position 3100, C replaced by T.
Molecular consequence: intron variant.
Genome position (GRCh38, 1-based): chr14:23,422,340, G>A on the plus strand (C>T on the coding strand, the complement: MYH7 is on the minus strand). VCF-style: chr14-23422340-G-A. GRCh37 (hg19) VCF-style: chr14-23891549-G-A.
Identifiers: ClinVar variation 629755 (VCV000629755.11), dbSNP rs534114622, ClinGen allele CA035587.
Genomic context (GRCh38, chr14:23,422,340, plus strand): 5'-CCAGGTCCATGCGCACCTTCTTCTCTTGCTCCAGGGATCCTTCCAGCTGGTAGAGAGAAG[G>A]AGCCAGGCCCAGTGAGGCAAAGCATCCTGACTTGGTGATTTTGTTGTTCAGTTACCTCAG-3'

ClinVar aggregate classification (germline): Likely benign. Review status: criteria provided, multiple submitters, no conflicts (2 of 4 stars). 3 submissions from 3 submitters: Likely benign (3). Last evaluated 2024-07-29.

Conditions:
Cardiomyopathy (CMYO). Also called: Cardiomyopathies. Identifiers: Orphanet 167848, MedGen C0878544, MONDO:0004994, HP:0001638. Inheritance: Various modes of inheritance.
Hypertrophic cardiomyopathy. Also called: HYPERTROPHIC MYOCARDIOPATHY. Identifiers: Orphanet 217569, MedGen C0007194, MeSH D002312, MONDO:0005045, HP:0001639.

Allele frequency attached by ClinVar (database versions not stated): gnomAD below 0.00001 and 0.00001; ExAC 0.00001; gnomAD exomes 0.00001; 1000 Genomes Project 30x 0.00016; 1000 Genomes Project 0.00020.
gnomAD v4.1: 7 of 1,614,130 alleles (0.00043%); highest among the groups gnomAD compares: South Asian, 0.0066%; no homozygotes.

Submissions (3):

All of Us Research Program, National Institutes of Health
Classification: Likely benign for Cardiomyopathy. Last evaluated: 2024-07-29. Review status: criteria provided, single submitter. Criteria: ACMG Guidelines, 2015. Collection method: clinical testing. Allele origin: germline. Inheritance: Autosomal dominant inheritance. Observed: 1 variant allele, 1 heterozygote.
Comment: This study involves interpretation of variants in research participants for the purpose of population health screening. Participant phenotype was not available at the time of variant classification. Additional details can be found in publication PMID: 35346344, PMCID: PMC8962531

Labcorp Genetics (formerly Invitae), Labcorp
Classification: Likely benign for Hypertrophic cardiomyopathy. Last evaluated: 2023-12-07. Review status: criteria provided, single submitter. Criteria: Invitae Variant Classification Sherloc (09022015). Collection method: clinical testing. Allele origin: germline.

Color Diagnostics, LLC DBA Color Health
Classification: Likely benign for Cardiomyopathy. Last evaluated: 2018-10-16. Review status: criteria provided, single submitter. Criteria: ACMG Guidelines, 2015. Collection method: clinical testing. Allele origin: germline.